The following is an entry in ClinVar:

NM_000520.6(HEXA):c.629C>G (p.Ser210Cys)

Gene: HEXA (hexosaminidase subunit alpha; minus strand). Cytogenetic location: 15q23.
Variant type: single nucleotide variant.
Coding change: c.629C>G on transcript NM_000520.6 (MANE Select); coding-DNA position 629, C replaced by G.
Protein change: p.Ser210Cys; replaces serine 210 with cysteine.
Molecular consequence: missense variant. On other transcripts: non-coding transcript variant (1).
Genome position (GRCh38, 1-based): chr15:72,351,176, G>C on the plus strand (C>G on the coding strand, the complement: HEXA is on the minus strand). VCF-style: chr15-72351176-G-C. GRCh37 (hg19) VCF-style: chr15-72643517-G-C.
Other names: c.662C>G, p.Ser221Cys (NM_001318825.2); short protein forms S221C, S210C.
Identifiers: ClinVar variation 3730787 (VCV003730787.2).

ClinVar aggregate classification (germline): Likely pathogenic (1 of 4 stars; one submission).

Conditions:
Tay-Sachs disease (TSD). Also called: HEXA DEFICIENCY; GM2 gangliosidosis, type 1; Hexosaminidase alpha-subunit deficiency (variant B); Sphingolipidosis, Tay-Sachs; Hexosaminidase A Deficiency; HEXA Disorders. Identifiers: Orphanet 845, MedGen C0039373, MONDO:0010100, OMIM 272800.

gnomAD v4.1: 1 of 1,613,268 alleles (0.000062%); highest among the groups gnomAD compares: Non-Finnish European, 0.000085%; no homozygotes.

Submission:

Labcorp Genetics (formerly Invitae), Labcorp
Classification: Likely pathogenic for Tay-Sachs disease. Last evaluated: 2024-05-22. Review status: criteria provided, single submitter. Criteria: Invitae Variant Classification Sherloc (09022015). Collection method: clinical testing. Allele origin: germline.
Comment: This sequence change replaces serine, which is neutral and polar, with cysteine, which is neutral and slightly polar, at codon 210 of the HEXA protein (p.Ser210Cys). This variant is not present in population databases (gnomAD no frequency). This variant has not been reported in the literature in individuals affected with HEXA-related conditions. Advanced modeling of protein sequence and biophysical properties (such as structural, functional, and spatial information, amino acid conservation, physicochemical variation, residue mobility, and thermodynamic stability) performed at Invitae indicates that this missense variant is expected to disrupt HEXA protein function with a positive predictive value of 95%. This variant disrupts the p.Ser210 amino acid residue in HEXA. Other variant(s) that disrupt this residue have been determined to be pathogenic (PMID: 1837283). This suggests that this residue is clinically significant, and that variants that disrupt this residue are likely to be disease-causing. In summary, the currently available evidence indicates that the variant is pathogenic, but additional data are needed to prove that conclusively. Therefore, this variant has been classified as Likely Pathogenic.

Literature cited by the submitters: PubMed 1837283.